The following is an entry in ClinVar:

NM_020928.2(ZSWIM6):c.492_512del (p.Thr167_Ala173del)

Gene: ZSWIM6 (zinc finger SWIM-type containing 6; plus strand). Cytogenetic location: 5q12.1.
Variant type: Deletion.
Coding change: c.492_512del on transcript NM_020928.2 (MANE Select); coding-DNA positions 492 to 512, 21 bases deleted (GGCCGCAACCTCGGCCGCCGC).
Protein change: p.Thr167_Ala173del.
Molecular consequence: inframe deletion.
Genome position (GRCh38, 1-based): chr5:61,332,764-61,332,784, GGCCGCAACCTCGGCCGCCGC deleted; deleting any 21 consecutive bases within chr5:61,332,762-61,332,784 gives the same sequence; the c. name uses the placement nearest the transcript's 3' end. VCF-style (leftmost placement, unchanged base first): chr5-61332761-GGCGGCCGCAACCTCGGCCGCC-G. GRCh37 (hg19) VCF-style: chr5-60628588-GGCGGCCGCAACCTCGGCCGCC-G.
Identifiers: ClinVar variation 1988634 (VCV001988634.4), dbSNP rs1443586898, ClinGen allele CA812782074.

ClinVar aggregate classification (germline): Uncertain significance (1 of 4 stars; one submission).

Submission:

Labcorp Genetics (formerly Invitae), Labcorp
Classification: Uncertain significance. Last evaluated: 2024-03-04. Review status: criteria provided, single submitter. Criteria: Invitae Variant Classification Sherloc (09022015). Collection method: clinical testing. Allele origin: germline.
Comment: This variant, c.492_512del, results in the deletion of 7 amino acid(s) of the ZSWIM6 protein (p.Thr167_Ala173del), but otherwise preserves the integrity of the reading frame. The frequency data for this variant in the population databases is considered unreliable, as metrics indicate insufficient coverage at this position in the gnomAD database. This variant has not been reported in the literature in individuals affected with ZSWIM6-related conditions. ClinVar contains an entry for this variant (Variation ID: 1988634). Experimental studies and prediction algorithms are not available or were not evaluated, and the functional significance of this variant is currently unknown. In summary, the available evidence is currently insufficient to determine the role of this variant in disease. Therefore, it has been classified as a Variant of Uncertain Significance.